The following is an entry in ClinVar:

NM_000026.4(ADSL):c.245A>G (p.Lys82Arg)

Gene: ADSL (adenylosuccinate lyase; plus strand). Cytogenetic location: 22q13.1.
Variant type: single nucleotide variant.
Coding change: c.245A>G on transcript NM_000026.4 (MANE Select); coding-DNA position 245, A replaced by G.
Protein change: p.Lys82Arg; replaces lysine 82 with arginine.
Molecular consequence: missense variant. On other transcripts: non-coding transcript variant (1).
Genome position (GRCh38, 1-based): chr22:40,349,923, A>G. VCF-style: chr22-40349923-A-G. GRCh37 (hg19) VCF-style: chr22-40745927-A-G.
Other names: c.245A>G, p.Lys82Arg (NM_001123378.3, NM_001363840.3); c.53A>G, p.Lys18Arg (NM_001317923.2); short protein forms K18R, K82R.
Identifiers: ClinVar variation 1383794 (VCV001383794.6), dbSNP rs776685935, ClinGen allele CA10247653.

ClinVar aggregate classification (germline): Uncertain significance (1 of 4 stars; one submission).

Conditions:
Adenylosuccinate lyase deficiency (ADSLD). Also called: ADSL DEFICIENCY. Identifiers: Orphanet 46, MedGen C0268126, MONDO:0007068, OMIM 103050.

Allele frequency attached by ClinVar (database versions not stated): ExAC 0.00001; TOPMed 0.00001; gnomAD exomes 0.00002 and 0.00004; gnomAD 0.00003 and 0.00004.
gnomAD v4.1: 31 of 1,614,058 alleles (0.0019%); highest among the groups gnomAD compares: Non-Finnish European, 0.0011%; no homozygotes.

Submission:

Labcorp Genetics (formerly Invitae), Labcorp
Classification: Uncertain significance for Adenylosuccinate lyase deficiency. Last evaluated: 2024-10-15. Review status: criteria provided, single submitter. Criteria: Invitae Variant Classification Sherloc (09022015). Collection method: clinical testing. Allele origin: germline.
Comment: This sequence change replaces lysine, which is basic and polar, with arginine, which is basic and polar, at codon 82 of the ADSL protein (p.Lys82Arg). This variant is present in population databases (rs776685935, gnomAD 0.03%). This variant has not been reported in the literature in individuals affected with ADSL-related conditions. ClinVar contains an entry for this variant (Variation ID: 1383794). Invitae Evidence Modeling of protein sequence and biophysical properties (such as structural, functional, and spatial information, amino acid conservation, physicochemical variation, residue mobility, and thermodynamic stability) indicates that this missense variant is not expected to disrupt ADSL protein function with a negative predictive value of 80%. In summary, the available evidence is currently insufficient to determine the role of this variant in disease. Therefore, it has been classified as a Variant of Uncertain Significance.